The following is an entry in ClinVar:

NM_004519.4(KCNQ3):c.1026C>T (p.Ser342=)

Gene: KCNQ3 (potassium voltage-gated channel subfamily Q member 3; minus strand). Cytogenetic location: 8q24.22.
Variant type: single nucleotide variant.
Coding change: c.1026C>T on transcript NM_004519.4 (MANE Select); coding-DNA position 1026, C replaced by T.
Protein change: p.Ser342=; no amino-acid change (serine 342 retained).
Molecular consequence: synonymous variant.
Genome position (GRCh38, 1-based): chr8:132,174,257, G>A on the plus strand (C>T on the coding strand, the complement: KCNQ3 is on the minus strand). VCF-style: chr8-132174257-G-A. GRCh37 (hg19) VCF-style: chr8-133186504-G-A.
Other names: c.666C>T, p.Ser222= (NM_001204824.2).
Identifiers: ClinVar variation 391326 (VCV000391326.9), dbSNP rs1057524036, ClinGen allele CA16605180.

ClinVar aggregate classification (germline): Likely benign. Review status: criteria provided, multiple submitters, no conflicts (2 of 4 stars). 2 submissions from 2 submitters: Likely benign (2). Last evaluated 2022-05-19.

Conditions:
Benign neonatal seizures. Also called: Convulsions benign familial neonatal dominant form; Autosomal dominant form of benign neonatal seizures; Benign familial neonatal epilepsy; Benign familial neonatal seizures; Benign neonatal familial convulsions. Identifiers: Orphanet 1949, MedGen C0220669, MONDO:0016027.

gnomAD v4.1: 2 of 1,551,334 alleles (0.00013%); highest among the groups gnomAD compares: East Asian, 0.0049%; no homozygotes.

Submissions (2):

Labcorp Genetics (formerly Invitae), Labcorp
Classification: Likely benign for Benign neonatal seizures. Last evaluated: 2022-05-19. Review status: criteria provided, single submitter. Criteria: Invitae Variant Classification Sherloc (09022015). Collection method: clinical testing. Allele origin: germline.

GeneDx
Classification: Likely benign. Last evaluated: 2016-12-05. Review status: criteria provided, single submitter. Criteria: GeneDx Variant Classification (06012015). Collection method: clinical testing. Allele origin: germline. Affected: yes.
Comment: This variant is considered likely benign or benign based on one or more of the following criteria: it is a conservative change, it occurs at a poorly conserved position in the protein, it is predicted to be benign by multiple in silico algorithms, and/or has population frequency not consistent with disease.